The following is an entry in ClinVar:

ClinVar aggregate classification (germline): Conflicting classifications of pathogenicity. Review status: criteria provided, conflicting classifications (1 of 4 stars). 6 submissions from 6 submitters: Uncertain significance (4); Likely benign (1). 1 of the submissions does not count toward it. Last evaluated 2025-12-31.

Conditions:
Inborn genetic diseases. Identifiers: MedGen C0950123, MeSH D030342.
Usher syndrome type 1F (USH1F). Also called: USHER SYNDROME, TYPE IF. Identifiers: Orphanet 231169, Orphanet 886, MedGen C1865885, MONDO:0011186, OMIM 602083.

Allele frequency attached by ClinVar (database versions not stated): gnomAD exomes 0.00001; ESP Exome Variant Server 0.00015; gnomAD 0.00017 and 0.00019; TOPMed 0.00023.
gnomAD v4.1: 48 of 1,613,630 alleles (0.003%); highest among the groups gnomAD compares: African/African-American, 0.059%; no homozygotes.

Submissions (6):

Labcorp Genetics (formerly Invitae), Labcorp
Classification: Likely benign. Last evaluated: 2025-12-31. Review status: criteria provided, single submitter. Criteria: Invitae Variant Classification Sherloc (09022015). Collection method: clinical testing. Allele origin: germline.

Ambry Genetics
Classification: Uncertain significance for Inborn genetic diseases. Last evaluated: 2025-11-24. Review status: criteria provided, single submitter. Criteria: Ambry Variant Classification Scheme 2023. Collection method: clinical testing. Allele origin: germline.

GeneDx
Classification: Uncertain significance. Last evaluated: 2023-05-10. Review status: criteria provided, single submitter. Criteria: GeneDx Variant Classification Process June 2021. Collection method: clinical testing. Allele origin: germline. Affected: yes.
Comment: In silico analysis supports that this missense variant has a deleterious effect on protein structure/function; Has not been previously published as pathogenic or benign to our knowledge

ARUP Laboratories, Molecular Genetics and Genomics, ARUP Laboratories
Classification: Uncertain significance. Last evaluated: 2017-11-17. Review status: criteria provided, single submitter. Criteria: ARUP Molecular Germline Variant Investigation Process. Collection method: clinical testing. Allele origin: germline.
Comment: The p.Ala536Pro variant (rs140516168) has not been reported in the medical literature, gene specific variation databases, nor has it been previously identified by our laboratory. This variant is listed in the Genome Aggregation Database (gnomAD) with a frequency of 0.05 percent in the African population (identified on 13 out of 24,018 chromosomes) and has been reported to the ClinVar database as a variant of unknown significance (Variation ID: 229135). The alanine at position 536 is moderately conserved considering 12 species (Alamut v2.10) and computational analyses of the effects of the p.Ala536Pro variant on protein structure and function provide conflicting results (SIFT: tolerated, MutationTaster: disease causing, PolyPhen-2: probably damaging). Altogether, there is not enough evidence to classify the p.Ala536Pro variant with certainty.

Laboratory for Molecular Medicine, Mass General Brigham Personalized Medicine
Classification: Uncertain significance. Last evaluated: 2015-03-06. Review status: criteria provided, single submitter. Criteria: LMM Criteria. Collection method: clinical testing. Allele origin: germline. Observed: 2 variant alleles.
Comment: Variant classified as Uncertain Significance - Favor Benign. The p.Ala536Pro var iant in PCDH15 has not been previously reported in individuals with hearing loss , but has been identified in 0.1% (11/10404) of African chromosomes by the Exome Aggregation Consortium (ExAC; dbSNP rs140516168 ). The alanine (Ala) at position 536 is not conserved through species, with 2 ma mmals (dolphin and killer whale) having a proline (Pro) at this position, sugges ting that changes at this position may be tolerated. Additional computational pr ediction tools do not provide strong support for or against an impact to the pro tein. In summary, while the clinical significance of the p.Ala536Pro variant is uncertain, the conservation data suggest that it is more likely to be benign.

Natera, Inc.
Classification: Uncertain significance for Usher syndrome type 1F. Last evaluated: 2020-02-21. Review status: no assertion criteria provided. Collection method: clinical testing. Allele origin: germline. Not counted in ClinVar's aggregate classification.

NM_001384140.1(PCDH15):c.1606G>C (p.Ala536Pro)

Gene: PCDH15 (protocadherin related 15; minus strand). Cytogenetic location: 10q21.1.
Variant type: single nucleotide variant.
Coding change: c.1606G>C on transcript NM_001384140.1 (MANE Select); coding-DNA position 1606, G replaced by C.
Protein change: p.Ala536Pro; replaces alanine 536 with proline.
Molecular consequence: missense variant.
Genome position (GRCh38, 1-based): chr10:54,153,278, C>G on the plus strand (G>C on the coding strand, the complement: PCDH15 is on the minus strand). VCF-style: chr10-54153278-C-G. GRCh37 (hg19) VCF-style: chr10-55913038-C-G.
Other names: c.1621G>C, p.Ala541Pro (NM_001142763.2, NM_001142771.2); c.1606G>C, p.Ala536Pro (NM_001142764.2, NM_001142765.2, NM_001142766.2 and 6 more transcripts); c.1495G>C, p.Ala499Pro (NM_001142767.2); c.1540G>C, p.Ala514Pro (NM_001142768.2, NM_001142773.2, NM_001354404.2); c.1642G>C, p.Ala548Pro (NM_001142769.4); c.1627G>C, p.Ala543Pro (NM_001354411.2); short protein forms A536P, A541P, A499P, A543P, A548P, A514P.
Identifiers: ClinVar variation 229135 (VCV000229135.24), dbSNP rs140516168, ClinGen allele CA5506314.